The following is an entry in ClinVar:

ClinVar aggregate classification (germline): Uncertain significance. Review status: criteria provided, multiple submitters, no conflicts (2 of 4 stars). 2 submissions from 2 submitters: Uncertain significance (2). Last evaluated 2025-06-25.

Allele frequency attached by ClinVar (database versions not stated): gnomAD exomes 0.00001 and 0.00005; ExAC 0.00003; gnomAD 0.00009; TOPMed 0.00014; 1000 Genomes Project 0.00040; 1000 Genomes Project 30x 0.00047.
gnomAD v4.1: 37 of 1,613,836 alleles (0.0023%); highest among the groups gnomAD compares: Admixed American, 0.035%; no homozygotes.

Submissions (2):

GeneDx
Classification: Uncertain significance. Last evaluated: 2025-06-25. Review status: criteria provided, single submitter. Criteria: GeneDx Variant Classification Process June 2021. Collection method: clinical testing. Allele origin: germline. Affected: yes.
Comment: Reported previously in the heterozygous state in a patient with unsteadiness and demyelinating neuropathy (PMID: 30415211); In silico analysis supports that this missense variant has a deleterious effect on protein structure/function; This variant is associated with the following publications: (PMID: 30415211)

Labcorp Genetics (formerly Invitae), Labcorp
Classification: Uncertain significance. Last evaluated: 2024-12-16. Review status: criteria provided, single submitter. Criteria: Invitae Variant Classification Sherloc (09022015). Collection method: clinical testing. Allele origin: germline.
Comment: This sequence change replaces asparagine, which is neutral and polar, with serine, which is neutral and polar, at codon 628 of the MME protein (p.Asn628Ser). This variant is present in population databases (rs181745819, gnomAD 0.03%). This missense change has been observed in individual(s) with clinical features of Charcot-Marie-Tooth disease (PMID: 30415211). ClinVar contains an entry for this variant (Variation ID: 1378988). Invitae Evidence Modeling of protein sequence and biophysical properties (such as structural, functional, and spatial information, amino acid conservation, physicochemical variation, residue mobility, and thermodynamic stability) indicates that this missense variant is not expected to disrupt MME protein function with a negative predictive value of 80%. In summary, the available evidence is currently insufficient to determine the role of this variant in disease. Therefore, it has been classified as a Variant of Uncertain Significance.

Literature cited by the submitters: PubMed 30415211 (cited by Labcorp Genetics (formerly Invitae), Labcorp).

NM_007289.4(MME):c.1883A>G (p.Asn628Ser)

Gene: MME (membrane metalloendopeptidase; plus strand). Cytogenetic location: 3q25.2.
Variant type: single nucleotide variant.
Coding change: c.1883A>G on transcript NM_007289.4 (MANE Select); coding-DNA position 1883, A replaced by G.
Protein change: p.Asn628Ser; replaces asparagine 628 with serine.
Molecular consequence: missense variant.
Genome position (GRCh38, 1-based): chr3:155,168,594, A>G. VCF-style: chr3-155168594-A-G. GRCh37 (hg19) VCF-style: chr3-154886383-A-G.
Other names: c.1883A>G, p.Asn628Ser (NM_000902.5, NM_001354642.2, NM_001354643.1 and 2 more transcripts); c.1883A>G (NM_007289.2); short protein forms N628S.
Identifiers: ClinVar variation 1378988 (VCV001378988.7), dbSNP rs181745819, ClinGen allele CA2675655.